The following is an entry in ClinVar:

NM_000111.3(SLC26A3):c.1408-1G>A

Gene: SLC26A3 (solute carrier family 26 member 3; minus strand). Cytogenetic location: 7q22.3.
Variant type: single nucleotide variant.
Coding change: c.1408-1G>A on transcript NM_000111.3 (MANE Select); the canonical splice acceptor site of the intron before coding-DNA position 1408, G replaced by A.
Molecular consequence: splice acceptor variant.
Genome position (GRCh38, 1-based): chr7:107,778,282, C>T on the plus strand (G>A on the coding strand, the complement: SLC26A3 is on the minus strand). VCF-style: chr7-107778282-C-T. GRCh37 (hg19) VCF-style: chr7-107418727-C-T.
Identifiers: ClinVar variation 55973 (VCV000055973.2), dbSNP rs386833455, ClinGen allele CA144057.
Genomic context (GRCh38, chr7:107,778,282, plus strand): 5'-TGCCAGGCCTAACCCGAGTCCCAGGACAATGGTGAAGATGAAGGTCATGATCCAAATTAA[C>T]TGTGAAAAGAAAGCAACACATACACTACAATTTACTTTGATTAAAGTACAATGTCGAGAC-3'

ClinVar aggregate classification (germline): Likely pathogenic (0 of 4 stars; one submission).

Conditions:
Congenital secretory diarrhea, chloride type (DIAR1). Also called: DIARRHEA 1, SECRETORY CHLORIDE, CONGENITAL; CHLORIDORRHEA, CONGENITAL; CHLORIDE DIARRHEA, CONGENITAL, FINNISH TYPE. Identifiers: Orphanet 53689, MedGen C0267662, MONDO:0008964, OMIM 214700.

Submission:

Juha Muilu Group; Institute for Molecular Medicine Finland (FIMM)
Classification: Likely pathogenic for Congenital secretory diarrhea, chloride type. Review status: no assertion criteria provided. Collection method: not provided. Allele origin: unknown.
Comment: FinDis database variant: This variant was not found or characterized by our laboratory, data were collected from public sources: see reference
ClinVar note: Converted during submission from probable-pathogenic to Likely pathogenic.